The following is an entry in ClinVar:

NM_000321.3(RB1):c.2497G>T (p.Val833Leu)

Gene: RB1 (RB transcriptional corepressor 1; plus strand). Cytogenetic location: 13q14.2.
Variant type: single nucleotide variant.
Coding change: c.2497G>T on transcript NM_000321.3 (MANE Select); coding-DNA position 2497, G replaced by T.
Protein change: p.Val833Leu; replaces valine 833 with leucine.
Molecular consequence: missense variant.
Genome position (GRCh38, 1-based): chr13:48,473,367, G>T. VCF-style: chr13-48473367-G-T. GRCh37 (hg19) VCF-style: chr13-49047503-G-T.
Other names: c.2497G>T, p.Val833Leu (NM_001407165.1); short protein forms V833L.
Identifiers: ClinVar variation 3660168 (VCV003660168.2).

ClinVar aggregate classification (germline): Uncertain significance (1 of 4 stars; one submission).

Conditions:
Retinoblastoma (RB1). Also called: RETINOBLASTOMA, SOMATIC. Identifiers: Orphanet 790, MedGen C0035335, MeSH D012175, MONDO:0008380, OMIM 180200, HP:0009919. Disease mechanism: loss of function. Inheritance: Both sporadic and heritable forms are tested..

Submission:

Labcorp Genetics (formerly Invitae), Labcorp
Classification: Uncertain significance for Retinoblastoma. Last evaluated: 2024-07-22. Review status: criteria provided, single submitter. Criteria: Invitae Variant Classification Sherloc (09022015). Collection method: clinical testing. Allele origin: germline.
Comment: This sequence change replaces valine, which is neutral and non-polar, with leucine, which is neutral and non-polar, at codon 833 of the RB1 protein (p.Val833Leu). This variant is not present in population databases (gnomAD no frequency). This variant has not been reported in the literature in individuals affected with RB1-related conditions. Advanced modeling of protein sequence and biophysical properties (such as structural, functional, and spatial information, amino acid conservation, physicochemical variation, residue mobility, and thermodynamic stability) performed at Invitae indicates that this missense variant is not expected to disrupt RB1 protein function with a negative predictive value of 80%. In summary, the available evidence is currently insufficient to determine the role of this variant in disease. Therefore, it has been classified as a Variant of Uncertain Significance.